The following is an entry in ClinVar:

NM_018191.4(RCBTB1):c.1554A>T (p.Glu518Asp)

Gene: RCBTB1 (RCC1 and BTB domain containing protein 1; minus strand). Cytogenetic location: 13q14.2.
Variant type: single nucleotide variant.
Coding change: c.1554A>T on transcript NM_018191.4 (MANE Select); coding-DNA position 1554, A replaced by T.
Protein change: p.Glu518Asp; replaces glutamic acid 518 with aspartic acid.
Molecular consequence: missense variant. On other transcripts: non-coding transcript variant (2).
Genome position (GRCh38, 1-based): chr13:49,534,164, T>A on the plus strand (A>T on the coding strand, the complement: RCBTB1 is on the minus strand). VCF-style: chr13-49534164-T-A. GRCh37 (hg19) VCF-style: chr13-50108300-T-A.
Other names: c.1554A>T, p.Glu518Asp (NM_001352500.2, NM_001352501.2, NM_001352502.2 and 1 more transcripts); c.975A>T, p.Glu325Asp (NM_001352506.2); short protein forms E325D, E518D.
Identifiers: ClinVar variation 1467121 (VCV001467121.8), dbSNP rs2139103335, ClinGen allele CA388184983.
Genomic context (GRCh38, chr13:49,534,164, plus strand): 5'-ACCCAGCAGCCTTGCGCTTCAGTTCTTAAAGGCTCCACATTTACTGGCTTTAGCAATGAA[T>A]TCCTTTAGCAGAGGGCCATCCATTTGCCAAAATGCTGCAGTCTGTGTAACTTCTGTCAAA-3'
Protein context (NP_060661.3, residues 508-528): FWQMDGPLLK[Glu518Asp]FIAKASKCGA

ClinVar aggregate classification (germline): Uncertain significance (1 of 4 stars; one submission).

Submission:

Labcorp Genetics (formerly Invitae), Labcorp
Classification: Uncertain significance. Last evaluated: 2022-03-19. Review status: criteria provided, single submitter. Criteria: Invitae Variant Classification Sherloc (09022015). Collection method: clinical testing. Allele origin: germline.
Comment: This variant is not present in population databases (gnomAD no frequency). This sequence change replaces glutamic acid, which is acidic and polar, with aspartic acid, which is acidic and polar, at codon 518 of the RCBTB1 protein (p.Glu518Asp). This variant has not been reported in the literature in individuals affected with RCBTB1-related conditions. Algorithms developed to predict the effect of missense changes on protein structure and function (SIFT, PolyPhen-2, Align-GVGD) all suggest that this variant is likely to be tolerated. In summary, the available evidence is currently insufficient to determine the role of this variant in disease. Therefore, it has been classified as a Variant of Uncertain Significance.